The following is an entry in ClinVar:

ClinVar aggregate classification (germline): Benign/Likely benign. Review status: criteria provided, multiple submitters, no conflicts (2 of 4 stars). 6 submissions from 6 submitters: Benign (1); Likely benign (5). Last evaluated 2025-09-11.

Conditions:
Hereditary cancer-predisposing syndrome. Also called: Tumor predisposition; Hereditary Cancer Syndrome; Hereditary neoplastic syndrome; Neoplastic Syndromes, Hereditary. Identifiers: Orphanet 140162, MedGen C0027672, MeSH D009386, MONDO:0015356.
Familial cancer of breast. Also called: hereditary breast carcinoma; BREAST CANCER, FAMILIAL; Hereditary breast cancer. Identifiers: Orphanet 227535, MedGen C0346153, MONDO:0016419, OMIM 114480. Disease mechanism: loss of function.
Ataxia-telangiectasia syndrome (AT). Also called: Ataxia telangiectasia (A-T); LOUIS-BAR SYNDROME; Cerebello-oculocutaneous telangiectasia; Immunodeficiency with ataxia telangiectasia; ATAXIA-TELANGIECTASIA, COMPLEMENTATION GROUP A; ATAXIA-TELANGIECTASIA, FRESNO VARIANT. Identifiers: Orphanet 100, MedGen C0004135, MONDO:0008840, OMIM 208900.

Allele frequency attached by ClinVar (database versions not stated): ExAC 0.00001; gnomAD exomes 0.00001; TOPMed 0.00001.
gnomAD v4.1: 13 of 1,613,784 alleles (0.00081%); highest among the groups gnomAD compares: South Asian, 0.0033%; no homozygotes.

Submissions (6):

Labcorp Genetics (formerly Invitae), Labcorp
Classification: Likely benign for Ataxia-telangiectasia syndrome. Last evaluated: 2025-09-11. Review status: criteria provided, single submitter. Criteria: Invitae Variant Classification Sherloc (09022015). Collection method: clinical testing. Allele origin: germline.

Myriad Genetics, Inc.
Classification: Benign for Familial cancer of breast. Last evaluated: 2024-05-01. Review status: criteria provided, single submitter. Criteria: Myriad Autosomal Dominant, Autosomal Recessive and X-Linked Classification Criteria (2023). Collection method: clinical testing. Allele origin: unknown.
Comment: This variant is considered benign. This variant is a silent/synonymous amino acid change and it is not expected to impact splicing.

Sema4
Classification: Likely benign for Hereditary cancer-predisposing syndrome. Last evaluated: 2021-10-28. Review status: criteria provided, single submitter. Criteria: Sema4 Curation Guidelines. Collection method: curation. Allele origin: germline.

GeneDx
Classification: Likely benign. Last evaluated: 2021-01-25. Review status: criteria provided, single submitter. Criteria: GeneDx Variant Classification Process June 2021. Collection method: clinical testing. Allele origin: germline. Affected: yes.

Color Diagnostics, LLC DBA Color Health
Classification: Likely benign for Hereditary cancer-predisposing syndrome. Last evaluated: 2017-07-21. Review status: criteria provided, single submitter. Criteria: ACMG Guidelines, 2015. Collection method: clinical testing. Allele origin: germline.

Ambry Genetics
Classification: Likely benign for Hereditary cancer-predisposing syndrome. Last evaluated: 2016-04-14. Review status: criteria provided, single submitter. Criteria: Ambry Variant Classification Scheme 2023. Collection method: clinical testing. Allele origin: germline.

NM_000051.4(ATM):c.1662G>A (p.Thr554=)

Gene: ATM (ATM serine/threonine kinase; plus strand). Cytogenetic location: 11q22.3.
Variant type: single nucleotide variant.
Coding change: c.1662G>A on transcript NM_000051.4 (MANE Select); coding-DNA position 1662, G replaced by A.
Protein change: p.Thr554=; no amino-acid change (threonine 554 retained).
Molecular consequence: synonymous variant.
Genome position (GRCh38, 1-based): chr11:108,251,891, G>A. VCF-style: chr11-108251891-G-A. GRCh37 (hg19) VCF-style: chr11-108122618-G-A.
Other names: c.1662G>A, p.Thr554= (NM_001351834.2).
Identifiers: ClinVar variation 233702 (VCV000233702.59), dbSNP rs764646531, ClinGen allele CA6264854.
Genomic context (GRCh38, chr11:108,251,891, plus strand): 5'-TTATAGTCCTGCAGTATGCTGTTTGACTTTGGCACTGACCACCAGTATAGTTCCAGGAAC[G>A]GTAAAAATGGGAATAGAGCAAAATATGTGTGAAGTAAATAGAAGCTTTTCTTTAAAGGAA-3'
Protein context (NP_000042.3, residues 544-564): LALTTSIVPG[Thr554=]VKMGIEQNMC